The following is an entry in ClinVar:

ClinVar aggregate classification (germline): Uncertain significance (1 of 4 stars; one submission).

Conditions:
Brugada syndrome. Also called: Sudden unexpected nocturnal death syndrome; Sudden Unexplained Death Syndrome; Sudden Unexplained Nocturnal Death Syndrome (SUNDS); Sudden unexplained nocturnal death syndrome. Identifiers: Orphanet 130, MedGen C1142166, MONDO:0015263.

Submission:

Labcorp Genetics (formerly Invitae), Labcorp
Classification: Uncertain significance for Brugada syndrome. Last evaluated: 2022-10-24. Review status: criteria provided, single submitter. Criteria: Invitae Variant Classification Sherloc (09022015). Collection method: clinical testing. Allele origin: germline.
Comment: In summary, the available evidence is currently insufficient to determine the role of this variant in disease. Therefore, it has been classified as a Variant of Uncertain Significance. This variant has not been reported in the literature in individuals affected with CACNA2D1-related conditions. This variant results in a copy number gain of the genomic region encompassing exon(s) 2-3 of the CACNA2D1 gene. While the exact position of this variant cannot be determined from the data, sub-genic copy number gains are generally in tandem (PMID: 25640679). This variant is predicted to be out-of-frame, and may result in an absent or disrupted protein product. However, the current clinical and genetic evidence is not sufficient to establish whether loss-of-function variants in CACNA2D1 cause disease.

Literature cited by the submitters: PubMed 25640679.

NC_000007.13:g.(?_81964431)_(81978985_?)dup

Gene: CACNA2D1 (calcium voltage-gated channel auxiliary subunit alpha2delta 1; minus strand). Cytogenetic location: 7q21.11.
Variant type: Duplication.
Identifiers: ClinVar variation 2423381 (VCV002423381.4).